The following is an entry in ClinVar:

ClinVar aggregate classification (germline): Benign (1 of 4 stars; one submission).

Conditions:
Leigh syndrome (NULS). Also called: Leigh's necrotizing encephalopathy; Leigh's disease; Leigh Syndrome (mtDNA deletion); Leigh Disease; Subacute necrotizing encephalopathy; Necrotizing encephalopathy infantile subacute of Leigh. Identifiers: Orphanet 506, MedGen C2931891, MONDO:0009723, OMIM 256000.

Submission:

Wong Mito Lab, Molecular and Human Genetics, Baylor College of Medicine
Classification: Benign for Leigh syndrome. Last evaluated: 2019-10-17. Review status: criteria provided, single submitter. Criteria: Modified ACMG Guidelines (Unpublished). Collection method: clinical testing. Allele origin: germline.
Comment: The NC_012920.1:m.11016G>A (YP_003024035.1:p.Ser86Asn) variant in MTND4 gene is interpretated to be a Benign variant based on the modified ACMG guidelines (unpublished). This variant meets the following evidence codes: BA1

NC_012920.1(MT-ND4):m.11016G>A

Gene: MT-ND4 (mitochondrially encoded NADH dehydrogenase 4; plus strand).
Variant type: single nucleotide variant.
Genome position: chrM-11016-G-A.
Identifiers: ClinVar variation 693334 (VCV000693334.1), dbSNP rs28594904, ClinGen allele CA337099071.